The following is an entry in ClinVar:

ClinVar aggregate classification (germline): Benign. Review status: reviewed by expert panel (3 of 4 stars). 12 submissions from 12 submitters: Benign (1). 11 of the submissions do not count toward it. Last evaluated 2015-08-10.

Conditions:
Hereditary cancer-predisposing syndrome. Also called: Hereditary Cancer Syndrome; Hereditary neoplastic syndrome; Neoplastic Syndromes, Hereditary; Tumor predisposition. Identifiers: Orphanet 140162, MedGen C0027672, MeSH D009386, MONDO:0015356.
Breast-ovarian cancer, familial, susceptibility to, 1 (BROVCA1). Also called: BRCA1 Hereditary Breast and Ovarian Cancer; OVARIAN CANCER, SUSCEPTIBILITY TO. Identifiers: Orphanet 145, MedGen C2676676, MONDO:0011450, OMIM 604370. Disease mechanism: loss of function.
BRCA1-related cancer predisposition. Identifiers: MedGen CN377757, MONDO:0700268.
BRCA1-related disorder. Also called: BRCA1-related condition.
Hereditary breast ovarian cancer syndrome. Also called: BRCA1- and BRCA2-Associated Hereditary Breast and Ovarian Cancer; Hereditary breast and ovarian cancer syndrome; Hereditary breast and ovarian cancer syndrome (HBOC); Breast and ovarian cancer; Hereditary breast and/or ovarian cancer syndrome; Hereditary breast and ovarian cancer. Identifiers: Orphanet 145, MedGen C0677776, MeSH D061325, MONDO:0003582. Disease mechanism: loss of function.

Allele frequency attached by ClinVar (database versions not stated): TOPMed 0.00002; gnomAD 0.00004.
gnomAD v4.1: 27 of 1,613,614 alleles (0.0017%); highest among the groups gnomAD compares: Non-Finnish European, 0.0019%; no homozygotes.

Submissions (12):

Evidence-based Network for the Interpretation of Germline Mutant Alleles (ENIGMA)
Classification: Benign for Breast-ovarian cancer, familial 1. Last evaluated: 2015-08-10. Review status: reviewed by expert panel. Criteria: ENIGMA BRCA1/2 Classification Criteria (2015). Collection method: curation. Allele origin: germline.
Comment: IARC class based on posterior probability from multifactorial likelihood analysis, thresholds for class as per Plon et al. 2008 (PMID: 18951446). Class 1 based on posterior probability = 0.0000918

Labcorp Genetics (formerly Invitae), Labcorp
Classification: Likely benign for Hereditary breast ovarian cancer syndrome. Last evaluated: 2025-12-17. Review status: criteria provided, single submitter. Criteria: Invitae Variant Classification Sherloc (09022015). Collection method: clinical testing. Allele origin: germline. Not counted in ClinVar's aggregate classification.

All of Us Research Program, National Institutes of Health
Classification: Likely benign for BRCA1-related cancer predisposition. Last evaluated: 2024-07-20. Review status: criteria provided, single submitter. Criteria: ACMG Guidelines, 2015. Collection method: clinical testing. Allele origin: germline. Inheritance: Autosomal dominant inheritance. Observed: 3 variant alleles, 3 heterozygotes. Not counted in ClinVar's aggregate classification.
Comment: This study involves interpretation of variants in research participants for the purpose of population health screening. Participant phenotype was not available at the time of variant classification. Additional details can be found in publication PMID: 35346344, PMCID: PMC8962531

Sema4
Classification: Likely benign for Hereditary cancer-predisposing syndrome. Last evaluated: 2022-01-13. Review status: criteria provided, single submitter. Criteria: Sema4 Curation Guidelines. Collection method: curation. Allele origin: germline. Not counted in ClinVar's aggregate classification.

Women's Health and Genetics/Laboratory Corporation of America, LabCorp
Classification: Benign. Last evaluated: 2020-12-03. Review status: criteria provided, single submitter. Criteria: LabCorp Variant Classification Summary - May 2015. Collection method: clinical testing. Allele origin: germline. Not counted in ClinVar's aggregate classification.
Comment: Variant summary: BRCA1 c.4402A>C (p.Asn1468His) results in a conservative amino acid change in the encoded protein sequence. Five of five in-silico tools predict a benign effect of the variant on protein function. The variant allele was found at a frequency of 2e-05 in 251222 control chromosomes (gnomAD). The available data on variant occurrences in the general population are insufficient to allow any conclusion about variant significance. c.4402A>C has been reported in the literature in individuals affected with breast and/or ovarian cancer (e.g. Judkins_2005). These report(s) do not provide unequivocal conclusions about association of the variant with Hereditary Breast and Ovarian Cancer Syndrome. Functional studies reported that this variant did not significantly affect transcription activation (Woods_2016, Fernandes_2019). In addition, multifactorial probability models, performing systematic assessments of variants of unknown significance in the BRCA genes, which included analysis of co-occurrence in trans with known deleterious mutations, personal and family history of cancer, tumor pathology and co-segregation with disease in pedigrees, predicted this variant to be neutral (Easton 2007 and Lindor 2012). Six other submitters, including an expert panel (ENIGMA), have provided clinical-significance assessments for this variant in ClinVar after 2014 without evidence for independent evaluation, and classified the variant as likely benign (4x) / benign (2x, including ENIGMA). Based on the evidence outlined above, the variant was classified as benign.

Quest Diagnostics Nichols Institute San Juan Capistrano
Classification: Likely benign. Last evaluated: 2020-04-03. Review status: criteria provided, single submitter. Criteria: Quest Diagnostics criteria. Collection method: clinical testing. Allele origin: unknown. Not counted in ClinVar's aggregate classification.

GeneDx
Classification: Likely benign. Last evaluated: 2019-02-22. Review status: criteria provided, single submitter. Criteria: GeneDx Variant Classification Process June 2021. Collection method: clinical testing. Allele origin: germline. Affected: yes. Not counted in ClinVar's aggregate classification.
Comment: This variant is associated with the following publications: (PMID: 17924331, 22753008, 21990134, 28781887, 23704879)

Color Diagnostics, LLC DBA Color Health
Classification: Likely benign for Hereditary cancer-predisposing syndrome. Last evaluated: 2016-11-21. Review status: criteria provided, single submitter. Criteria: ACMG Guidelines, 2015. Collection method: clinical testing. Allele origin: germline. Not counted in ClinVar's aggregate classification.

Ambry Genetics
Classification: Benign for Hereditary cancer-predisposing syndrome. Last evaluated: 2014-11-18. Review status: criteria provided, single submitter. Criteria: Ambry Variant Classification Scheme 2023. Collection method: clinical testing. Allele origin: germline. Not counted in ClinVar's aggregate classification.

PreventionGenetics, part of Exact Sciences
Classification: Benign for BRCA1-related condition. Last evaluated: 2019-09-03. Review status: no assertion criteria provided. Collection method: clinical testing. Allele origin: germline. Not counted in ClinVar's aggregate classification.
Comment: This variant is classified as benign based on ACMG/AMP sequence variant interpretation guidelines (Richards et al. 2015 PMID: 25741868, with internal and published modifications).

Counsyl
Classification: Benign for Breast-ovarian cancer, familial, susceptibility to, 1. Last evaluated: 2017-12-27. Review status: no assertion criteria provided. Collection method: clinical testing. Allele origin: unknown. Not counted in ClinVar's aggregate classification.

Breast Cancer Information Core (BIC) (BRCA1)
Classification: Uncertain significance for Breast-ovarian cancer, familial 1. Last evaluated: 2002-05-29. Review status: no assertion criteria provided. Collection method: clinical testing. Allele origin: germline. Affected: yes. Observed: 1 variant allele. Not counted in ClinVar's aggregate classification.

Literature cited by the submitters: PubMed 21990134 (cited by 5 submitters); PubMed 16267036 (cited by 3 submitters); PubMed 15385441 (cited by Women's Health and Genetics/Laboratory Corporation of America, LabCorp); PubMed 17924331 (cited by 4 submitters); PubMed 22753008 (cited by Women's Health and Genetics/Laboratory Corporation of America, LabCorp and Quest Diagnostics Nichols Institute San Juan Capistrano); PubMed 20215541 (cited by Women's Health and Genetics/Laboratory Corporation of America, LabCorp); PubMed 23704879 (cited by 3 submitters); PubMed 28781887 (cited by 4 submitters); PubMed 30765603 (cited by Women's Health and Genetics/Laboratory Corporation of America, LabCorp and Ambry Genetics); PubMed 29580235 (cited by Ambry Genetics); PubMed 31911673 (cited by Ambry Genetics).

NM_007294.4(BRCA1):c.4402A>C (p.Asn1468His)

Gene: BRCA1 (BRCA1 DNA repair associated; minus strand). Cytogenetic location: 17q21.31.
Variant type: single nucleotide variant.
Coding change: c.4402A>C on transcript NM_007294.4 (MANE Select); coding-DNA position 4402, A replaced by C.
Protein change: p.Asn1468His; replaces asparagine 1468 with histidine.
Molecular consequence: missense variant. On other transcripts: non-coding transcript variant (1).
Genome position (GRCh38, 1-based): chr17:43,076,570, T>G on the plus strand (A>C on the coding strand, the complement: BRCA1 is on the minus strand). VCF-style: chr17-43076570-T-G. GRCh37 (hg19) VCF-style: chr17-41228587-T-G.
Other names: 4521A>C; c.4318A>C, p.Asn1440His (NM_001407661.1, NM_001407662.1, NM_001407663.1 and 2 more transcripts); c.4279A>C, p.Asn1427His (NM_001407664.1, NM_001407665.1, NM_001407666.1 and 6 more transcripts); c.4276A>C, p.Asn1426His (NM_001407670.1, NM_001407680.1, NM_001407939.1 and 11 more transcripts); c.4261A>C, p.Asn1421His (NM_001407725.1, NM_001407726.1, NM_001407727.1 and 13 more transcripts); c.4258A>C, p.Asn1420His (NM_001407732.1, NM_001407733.1, NM_001407734.1 and 21 more transcripts); c.4399A>C, p.Asn1467His (NM_001407620.1, NM_001407621.1, NM_001407622.1 and 17 more transcripts); c.4396A>C, p.Asn1466His (NM_001407627.1, NM_001407628.1, NM_001407629.1 and 14 more transcripts); and 69 more; short protein forms N1468H, N1421H, N1489H, N364H, N1299H, N1355H, N1357H, N1396H.
Identifiers: ClinVar variation 55193 (VCV000055193.63), dbSNP rs80357022, ClinGen allele CA002826.